The following is an entry in ClinVar:

ClinVar aggregate classification (germline): Conflicting classifications of pathogenicity. Review status: criteria provided, conflicting classifications (1 of 4 stars). 6 submissions from 6 submitters: Uncertain significance (2); Benign (1); Likely benign (2). 1 of the submissions does not count toward it. Last evaluated 2024-10-10.

Conditions:
Hereditary cancer-predisposing syndrome. Also called: Tumor predisposition; Hereditary Cancer Syndrome; Neoplastic Syndromes, Hereditary; Hereditary neoplastic syndrome. Identifiers: Orphanet 140162, MedGen C0027672, MeSH D009386, MONDO:0015356.
Hereditary nonpolyposis colorectal neoplasms. Identifiers: MedGen C0009405, MeSH D003123.

Allele frequency attached by ClinVar (database versions not stated): ESP Exome Variant Server 0.00015; gnomAD 0.00016; TOPMed 0.00018; ExAC 0.00003.
gnomAD v4.1: 350 of 1,614,052 alleles (0.022%); highest among the groups gnomAD compares: Non-Finnish European, 0.027%; no homozygotes.

Submissions (6):

Color Diagnostics, LLC DBA Color Health
Classification: Benign for Hereditary cancer-predisposing syndrome. Last evaluated: 2024-10-10. Review status: criteria provided, single submitter. Criteria: ACMG Guidelines, 2015. Collection method: clinical testing. Allele origin: germline.

GeneDx
Classification: Uncertain significance. Last evaluated: 2024-03-04. Review status: criteria provided, single submitter. Criteria: GeneDx Variant Classification Process June 2021. Collection method: clinical testing. Allele origin: germline. Affected: yes.
Comment: In silico analysis supports that this missense variant does not alter protein structure/function; This variant is associated with the following publications: (PMID: 23621914, 22290698, 28767289, 21437237, 27997549, 16010685, 26898890, 32659497, 26689913, 26580448, 29684080, 18269114)

Labcorp Genetics (formerly Invitae), Labcorp
Classification: Likely benign for Hereditary nonpolyposis colorectal neoplasms. Last evaluated: 2023-05-05. Review status: criteria provided, single submitter. Criteria: Invitae Variant Classification Sherloc (09022015). Collection method: clinical testing. Allele origin: germline.

Sema4
Classification: Likely benign for Hereditary cancer-predisposing syndrome. Last evaluated: 2020-11-28. Review status: criteria provided, single submitter. Criteria: Sema4 Curation Guidelines. Collection method: curation. Allele origin: germline.

Ambry Genetics
Classification: Uncertain significance for Hereditary cancer-predisposing syndrome. Last evaluated: 2020-09-21. Review status: criteria provided, single submitter. Criteria: Ambry Variant Classification Scheme 2023. Collection method: clinical testing. Allele origin: germline.
Comment: The p.G289D variant (also known as c.866G>A), located in coding exon 4 of the MSH6 gene, results from a G to A substitution at nucleotide position 866. The glycine at codon 289 is replaced by aspartic acid, an amino acid with similar properties. This amino acid position is well conserved through mammals but not in all available vertebrate species. In addition, this alteration is predicted to be tolerated by in silico analysis. Since supporting evidence is limited at this time, the clinical significance of this alteration remains unclear.

Department of Pathology and Laboratory Medicine, Sinai Health System
Classification: Uncertain significance. Review status: no assertion criteria provided. Collection method: clinical testing. Allele origin: unknown. Affected: yes. Study: The Canadian Open Genetics Repository (COGR). Not counted in ClinVar's aggregate classification.

Literature cited by the submitters: PubMed 28767289 (cited by Sema4 and Ambry Genetics); PubMed 32659497 (cited by Sema4); PubMed 16010685 (cited by Sema4); PubMed 18269114 (cited by Sema4 and Ambry Genetics); PubMed 26898890 (cited by Sema4); PubMed 27997549 (cited by Sema4); PubMed 26580448 (cited by Ambry Genetics).

NM_000179.3(MSH6):c.866G>A (p.Gly289Asp)

Gene: MSH6 (mutS homolog 6; plus strand). Cytogenetic location: 2p16.3.
Variant type: single nucleotide variant.
Coding change: c.866G>A on transcript NM_000179.3 (MANE Select); coding-DNA position 866, G replaced by A.
Protein change: p.Gly289Asp; replaces glycine 289 with aspartic acid.
Molecular consequence: missense variant. On other transcripts: 5 prime UTR variant (2).
Genome position (GRCh38, 1-based): chr2:47,798,849, G>A. VCF-style: chr2-47798849-G-A. GRCh37 (hg19) VCF-style: chr2-48025988-G-A.
Other names: c.476G>A, p.Gly159Asp (NM_001281492.2); c.-41G>A (NM_001281493.2, NM_001281494.2); short protein forms G289D, G159D.
Identifiers: ClinVar variation 627661 (VCV000627661.11), dbSNP rs368318845, ClinGen allele CA073521.